The following is an entry in ClinVar:

ClinVar aggregate classification (germline): Benign. Review status: criteria provided, multiple submitters, no conflicts (2 of 4 stars). 3 submissions from 3 submitters: Benign (3). Last evaluated 2021-05-11.

Conditions:
D-2-hydroxyglutaric aciduria 1 (D2HGA1). Identifiers: Orphanet 79315, MedGen C3152055, MONDO:0024554, OMIM 600721.

Allele frequency attached by ClinVar (database versions not stated): 1000 Genomes Project 0.03454; 1000 Genomes Project 30x 0.03592; gnomAD exomes 0.04485; gnomAD 0.04560 and 0.04794; TOPMed 0.04988.
gnomAD v4.1: 60,069 of 1,339,036 alleles (4.5%); highest among the groups gnomAD compares: African/African-American, 7%; 1,472 homozygotes.

Submissions (3):

GeneDx
Classification: Benign. Last evaluated: 2021-05-11. Review status: criteria provided, single submitter. Criteria: GeneDx Variant Classification Process June 2021. Collection method: clinical testing. Allele origin: germline. Affected: yes.

Illumina Laboratory Services, Illumina
Classification: Benign for D-2-hydroxyglutaric aciduria 1. Last evaluated: 2018-01-12. Review status: criteria provided, single submitter. Criteria: ICSL Variant Classification Criteria 13 December 2019. Collection method: clinical testing. Allele origin: germline.
Comment: This variant was observed in the ICSL laboratory as part of a predisposition screen in an ostensibly healthy population. It had not been previously curated by ICSL or reported in the Human Gene Mutation Database (HGMD: prior to June 1st, 2018), and was therefore a candidate for classification through an automated scoring system. Utilizing variant allele frequency, disease prevalence and penetrance estimates, and inheritance mode, an automated score was calculated to assess if this variant is too frequent to cause the disease. Based on the score and internal cut-off values, a variant classified as benign is not then subjected to further curation. The score for this variant resulted in a classification of benign for this disease.

Breakthrough Genomics
Classification: Benign. Review status: criteria provided, single submitter. Criteria: ACMG Guidelines, 2015. Collection method: not provided. Allele origin: germline. Inheritance: Autosomal recessive inheritance. Affected: yes.

NM_152783.5(D2HGDH):c.-91C>G

Genes: D2HGDH (D-2-hydroxyglutarate dehydrogenase; plus strand), LOC129936031 (ATAC-STARR-seq lymphoblastoid silent region 12558; plus strand). Cytogenetic location: 2q37.3.
Variant type: single nucleotide variant.
Coding change: c.-91C>G on transcript NM_152783.5 (MANE Select); 91 bases upstream of the start codon, C replaced by G.
Molecular consequence: 5 prime UTR variant. On other transcripts: non-coding transcript variant (1), intron variant (1).
Genome position (GRCh38, 1-based): chr2:241,735,134, C>G. VCF-style: chr2-241735134-C-G. GRCh37 (hg19) VCF-style: chr2-242674549-C-G.
Other names: c.-635C>G (NM_001352824.2); c.-111+439C>G (NM_001287249.2).
Identifiers: ClinVar variation 335309 (VCV000335309.9), dbSNP rs62191976, ClinGen allele CA10614775.